The following is an entry in ClinVar:

NM_014806.5(RUSC2):c.2968C>G (p.Leu990Val)

Gene: RUSC2 (RUN and SH3 domain containing 2; plus strand). Cytogenetic location: 9p13.3.
Variant type: single nucleotide variant.
Coding change: c.2968C>G on transcript NM_014806.5 (MANE Select); coding-DNA position 2968, C replaced by G.
Protein change: p.Leu990Val; replaces leucine 990 with valine.
Molecular consequence: missense variant. On other transcripts: non-coding transcript variant (1).
Genome position (GRCh38, 1-based): chr9:35,556,433, C>G. VCF-style: chr9-35556433-C-G. GRCh37 (hg19) VCF-style: chr9-35556430-C-G.
Other names: c.2968C>G, p.Leu990Val (NM_001135999.2); c.334C>G, p.Leu112Val (NM_001330740.2); short protein forms L990V, L112V.
Identifiers: ClinVar variation 3157228 (VCV003157228.2), dbSNP rs1383771983, ClinGen allele CA373345888.

ClinVar aggregate classification (germline): Uncertain significance. Review status: criteria provided, multiple submitters, no conflicts (2 of 4 stars). 2 submissions from 2 submitters: Uncertain significance (2). Last evaluated 2024-06-24.

Allele frequency attached by ClinVar (database versions not stated): gnomAD exomes below 0.00001; gnomAD 0.00001; TOPMed 0.00001.
gnomAD v4.1: 7 of 1,613,748 alleles (0.00043%); no homozygotes.

Submissions (2):

Labcorp Genetics (formerly Invitae), Labcorp
Classification: Uncertain significance. Last evaluated: 2024-06-24. Review status: criteria provided, single submitter. Criteria: Invitae Variant Classification Sherloc (09022015). Collection method: clinical testing. Allele origin: germline.
Comment: This sequence change replaces leucine, which is neutral and non-polar, with valine, which is neutral and non-polar, at codon 990 of the RUSC2 protein (p.Leu990Val). This variant is present in population databases (no rsID available, gnomAD 0.02%). This variant has not been reported in the literature in individuals affected with RUSC2-related conditions. Algorithms developed to predict the effect of missense changes on protein structure and function output the following: SIFT: "Not Available"; PolyPhen-2: "Benign"; Align-GVGD: "Not Available". The valine amino acid residue is found in multiple mammalian species, which suggests that this missense change does not adversely affect protein function. In summary, the available evidence is currently insufficient to determine the role of this variant in disease. Therefore, it has been classified as a Variant of Uncertain Significance.

Ambry Genetics
Classification: Uncertain significance. Last evaluated: 2023-10-13. Review status: criteria provided, single submitter. Criteria: Ambry Variant Classification Scheme 2023. Collection method: clinical testing. Allele origin: germline.